The following is an entry in ClinVar:

NM_001368397.1(FRMPD4):c.3040C>A (p.Leu1014Met)

Gene: FRMPD4 (FERM and PDZ domain containing 4; plus strand). Cytogenetic location: Xp22.2.
Variant type: single nucleotide variant.
Coding change: c.3040C>A on transcript NM_001368397.1 (MANE Select); coding-DNA position 3040, C replaced by A.
Protein change: p.Leu1014Met; replaces leucine 1014 with methionine.
Molecular consequence: missense variant.
Genome position (GRCh38, 1-based): chrX:12,717,866, C>A. VCF-style: chrX-12717866-C-A. GRCh37 (hg19) VCF-style: chrX-12735985-C-A.
Other names: c.3016C>A, p.Leu1006Met (NM_001368402.3, NM_001368401.1); c.3040C>A, p.Leu1014Met (NM_014728.3); c.3151C>A, p.Leu1051Met (NM_001368395.3, NM_001368398.3); c.3046C>A, p.Leu1016Met (NM_001368396.3); c.3031C>A, p.Leu1011Met (NM_001368399.3); c.2920C>A, p.Leu974Met (NM_001368400.3); short protein forms L1016M, L1051M, L1006M, L1011M, L1014M, L974M.
Identifiers: ClinVar variation 1032634 (VCV001032634.2), dbSNP rs781278954, ClinGen allele CA10349553.

ClinVar aggregate classification (germline): Uncertain significance. Review status: criteria provided, multiple submitters, no conflicts (2 of 4 stars). 2 submissions from 2 submitters: Uncertain significance (2). Last evaluated 2025-05-03.

Conditions:
Intellectual developmental disorder, X-linked 104. Also called: Intellectual disability, X-linked 104. Identifiers: MedGen C4310817, MONDO:0010509, OMIM 300983.
Inborn genetic diseases. Identifiers: MedGen C0950123, MeSH D030342.

Allele frequency attached by ClinVar (database versions not stated): ExAC 0.00001; TOPMed 0.00002; gnomAD exomes 0.00003 and 0.00002; gnomAD 0.00004.
gnomAD v4.1: 40 of 1,210,162 alleles (0.0033%); highest among the groups gnomAD compares: Non-Finnish European, 0.0041%; no homozygotes.

Submissions (2):

Ambry Genetics
Classification: Uncertain significance for Inborn genetic diseases. Last evaluated: 2025-05-03. Review status: criteria provided, single submitter. Criteria: Ambry Variant Classification Scheme 2023. Collection method: clinical testing. Allele origin: germline.

Baylor Genetics
Classification: Uncertain significance for Intellectual developmental disorder, X-linked 104. Last evaluated: 2018-02-06. Review status: criteria provided, single submitter. Criteria: ACMG Guidelines, 2015. Collection method: clinical testing. Allele origin: maternal. Affected: yes.
Comment: This variant was determined to be of uncertain significance according to ACMG Guidelines, 2015 [PMID:25741868].